The following is an entry in ClinVar:

ClinVar aggregate classification (germline): Pathogenic/Likely pathogenic. Review status: criteria provided, multiple submitters, no conflicts (2 of 4 stars). 3 submissions from 3 submitters: Pathogenic (2); Likely pathogenic (1). Last evaluated 2025-10-13.

Conditions:
EPILEPSY, CHILDHOOD ABSENCE, SUSCEPTIBILITY TO, 2 (ECA2). Identifiers: Orphanet 64280, MedGen C1843244, OMIM 607681.
Febrile seizures, familial, 8 (FEB8). Also called: CONVULSIONS, FAMILIAL FEBRILE, 8. Identifiers: Orphanet 36387, MedGen C1969810, MONDO:0011891, OMIM 607681.

Submissions (3):

Labcorp Genetics (formerly Invitae), Labcorp
Classification: Pathogenic for Febrile seizures, familial, 8; EPILEPSY, CHILDHOOD ABSENCE, SUSCEPTIBILITY TO, 2. Last evaluated: 2025-10-13. Review status: criteria provided, single submitter. Criteria: Invitae Variant Classification Sherloc (09022015). Collection method: clinical testing. Allele origin: germline.
Comment: This sequence change replaces serine, which is neutral and polar, with leucine, which is neutral and non-polar, at codon 325 of the GABRG2 protein (p.Ser325Leu). This variant is not present in population databases (gnomAD no frequency). This missense change has been observed in individual(s) with clinical features of GABRG2-related conditions (PMID: 33004838, 36979350). In at least one individual the variant was observed to be de novo. ClinVar contains an entry for this variant (Variation ID: 660327). Invitae Evidence Modeling of protein sequence and biophysical properties (such as structural, functional, and spatial information, amino acid conservation, physicochemical variation, residue mobility, and thermodynamic stability) indicates that this missense variant is expected to disrupt GABRG2 protein function with a positive predictive value of 95%. For these reasons, this variant has been classified as Pathogenic.

GeneDx
Classification: Pathogenic. Last evaluated: 2025-03-31. Review status: criteria provided, single submitter. Criteria: GeneDx Variant Classification Process June 2021. Collection method: clinical testing. Allele origin: germline. Affected: yes.
Comment: Published functional studies demonstrate a damaging effect through slowing receptor deactivation, decreasing whole cell current compared to wild-type, and absent surface level expression of gamma2 subunit (PMID: 36979350); In silico analysis supports that this missense variant has a deleterious effect on protein structure/function; Not observed at significant frequency in large population cohorts (gnomAD); This variant is associated with the following publications: (PMID: 33004838, 36979350, 39228214)

CeGaT Center for Human Genetics Tuebingen
Classification: Likely pathogenic. Last evaluated: 2024-09-01. Review status: criteria provided, single submitter. Criteria: CeGaT Center For Human Genetics Tuebingen Variant Classification Criteria Version 2. Collection method: clinical testing. Allele origin: germline. Affected: yes. Observed: 3 variant alleles.
Comment: GABRG2: PM2, PS4:Moderate, PM6:Supporting, PP2, PP3, PS3:Supporting

Literature cited by the submitters: PubMed 33004838 (cited by Labcorp Genetics (formerly Invitae), Labcorp); PubMed 36979350 (cited by Labcorp Genetics (formerly Invitae), Labcorp).

NM_198904.4(GABRG2):c.974C>T (p.Ser325Leu)

Gene: GABRG2 (gamma-aminobutyric acid type A receptor subunit gamma2; plus strand). Cytogenetic location: 5q34.
Variant type: single nucleotide variant.
Coding change: c.974C>T on transcript NM_198904.4 (MANE Select); coding-DNA position 974, C replaced by T.
Protein change: p.Ser325Leu; replaces serine 325 with leucine.
Molecular consequence: missense variant. On other transcripts: intron variant (1).
Genome position (GRCh38, 1-based): chr5:162,149,159, C>T. VCF-style: chr5-162149159-C-T. GRCh37 (hg19) VCF-style: chr5-161576165-C-T.
Other names: c.974C>T, p.Ser325Leu (NM_000816.3); c.965C>T, p.Ser322Leu (NM_001375339.1); c.971C>T, p.Ser324Leu (NM_001375341.1, NM_001375342.1); c.1094C>T, p.Ser365Leu (NM_001375343.1, NM_198903.2); c.1013C>T, p.Ser338Leu (NM_001375344.1); c.908C>T, p.Ser303Leu (NM_001375345.1, NM_001375346.1); c.887C>T, p.Ser296Leu (NM_001375347.1); c.554C>T, p.Ser185Leu (NM_001375348.1, NM_001375350.1); and 2 more; short protein forms S325L, S365L, S185L, S230L, S296L, S303L, S322L, S324L.
Identifiers: ClinVar variation 660327 (VCV000660327.32), dbSNP rs1581453572, ClinGen allele CA362182403.